The following is an entry in ClinVar:

ClinVar aggregate classification (germline): Uncertain significance (1 of 4 stars; one submission).

Conditions:
Catecholaminergic polymorphic ventricular tachycardia (CVPT). Also called: Catecholamine-induced polymorphic ventricular tachycardia. Identifiers: Orphanet 3286, MedGen C5574922, MONDO:0017990.

gnomAD v4.1: 1 of 1,606,624 alleles (0.000062%); highest among the groups gnomAD compares: Non-Finnish European, 0.000085%; no homozygotes.

Submission:

All of Us Research Program, National Institutes of Health
Classification: Uncertain significance for Catecholaminergic polymorphic ventricular tachycardia. Last evaluated: 2023-08-28. Review status: criteria provided, single submitter. Criteria: ACMG Guidelines, 2015. Collection method: clinical testing. Allele origin: germline. Inheritance: Autosomal dominant inheritance. Observed: 2 variant alleles, 2 heterozygotes.
Comment: This missense variant replaces alanine with threonine at codon 945 of the RYR2 protein. Computational prediction suggests that this variant may have deleterious impact on protein structure and function (internally defined REVEL score threshold >= 0.7, PMID: 27666373). To our knowledge, functional studies have not been reported for this variant. This variant has not been reported in individuals affected with RYR2-related disorders in the literature. This variant has not been identified in the general population by the Genome Aggregation Database (gnomAD). The available evidence is insufficient to determine the role of this variant in disease conclusively. Therefore, this variant is classified as a Variant of Uncertain Significance.

This study involves interpretation of variants in research participants for the purpose of population health screening. Participant phenotype was not available at the time of variant classification. Additional details can be found in publication PMID: 35346344, PMCID: PMC8962531

NM_001035.3(RYR2):c.2833G>A (p.Ala945Thr)

Gene: RYR2 (ryanodine receptor 2; plus strand). Cytogenetic location: 1q43.
Variant type: single nucleotide variant.
Coding change: c.2833G>A on transcript NM_001035.3 (MANE Select); coding-DNA position 2833, G replaced by A.
Protein change: p.Ala945Thr; replaces alanine 945 with threonine.
Molecular consequence: missense variant.
Genome position (GRCh38, 1-based): chr1:237,530,437, G>A. VCF-style: chr1-237530437-G-A. GRCh37 (hg19) VCF-style: chr1-237693737-G-A.
Other names: short protein forms A945T.
Identifiers: ClinVar variation 3069659 (VCV003069659.1), dbSNP rs755764350, ClinGen allele CA345387892.
Genomic context (GRCh38, chr1:237,530,437, plus strand): 5'-CTGGACATAGAGAAGAAATGATCACACTTATCTCTGGTTTTGTTTTCCAGGACTTTGTTG[G>A]CATTAGGATGTCATGTGGGTATATCAGATGAACATGCTGAAGACAAGGTGAAAAAAATGA-3'
Protein context (NP_001026.2, residues 935-955): MSLETLKTLL[Ala945Thr]LGCHVGISDE